The following is an entry in ClinVar:

NM_006421.5(ARFGEF1):c.3752C>T (p.Thr1251Ile)

Gene: ARFGEF1 (ARF guanine nucleotide exchange factor 1; minus strand). Cytogenetic location: 8q13.2.
Variant type: single nucleotide variant.
Coding change: c.3752C>T on transcript NM_006421.5 (MANE Select); coding-DNA position 3752, C replaced by T.
Protein change: p.Thr1251Ile; replaces threonine 1251 with isoleucine.
Molecular consequence: missense variant. On other transcripts: non-coding transcript variant (1).
Genome position (GRCh38, 1-based): chr8:67,227,301, G>A on the plus strand (C>T on the coding strand, the complement: ARFGEF1 is on the minus strand). VCF-style: chr8-67227301-G-A. GRCh37 (hg19) VCF-style: chr8-68139536-G-A.
Other names: c.3752C>T, p.Thr1251Ile (NM_001413184.1, NM_001413185.1, NM_001413186.1 and 6 more transcripts); c.3152C>T, p.Thr1051Ile (NM_001413188.1, NM_001413193.1, NM_001413197.1); c.3746C>T, p.Thr1249Ile (NM_001413190.1); c.2327C>T, p.Thr776Ile (NM_001413196.1); short protein forms T1051I, T1249I, T1251I, T776I.
Identifiers: ClinVar variation 2626932 (VCV002626932.1), dbSNP rs1257063541, ClinGen allele CA371199688.
Genomic context (GRCh38, chr8:67,227,301, plus strand): 5'-ATGTTAGCAGCTTGAGAATTAACCATCTGTGCTATACACCGTACAACCATATCTCGAATT[G>A]TTGGAGACCTAAAAATATTAATATAATTGCTTGGATATGCAAACCGATAAAACTCATCAG-3'
Protein context (NP_006412.2, residues 1241-1261): EHIMKRNRSP[Thr1251Ile]IRDMVVRCIA

ClinVar aggregate classification (germline): Uncertain significance (1 of 4 stars; one submission).

Allele frequency attached by ClinVar (database versions not stated): TOPMed below 0.00001; gnomAD 0.00001.
gnomAD v4.1: 1 of 1,610,508 alleles (0.000062%); highest among the groups gnomAD compares: African/African-American, 0.0013%; no homozygotes.

Submission:

Greenwood Genetic Center Diagnostic Laboratories, Greenwood Genetic Center
Classification: Uncertain significance. Last evaluated: 2023-09-11. Review status: criteria provided, single submitter. Criteria: ACMG Guidelines, 2015. Collection method: clinical testing. Allele origin: germline. Affected: yes.
Comment: PM2, PP2, PP3